The following is an entry in ClinVar:

NM_000218.3(KCNQ1):c.358T>G (p.Trp120Gly)

Gene: KCNQ1 (potassium voltage-gated channel subfamily Q member 1; plus strand). Cytogenetic location: 11p15.5.
Variant type: single nucleotide variant.
Coding change: c.358T>G on transcript NM_000218.3 (MANE Select); coding-DNA position 358, T replaced by G.
Protein change: p.Trp120Gly; replaces tryptophan 120 with glycine.
Molecular consequence: missense variant. On other transcripts: 5 prime UTR variant (1).
Genome position (GRCh38, 1-based): chr11:2,445,456, T>G. VCF-style: chr11-2445456-T-G. GRCh37 (hg19) VCF-style: chr11-2466686-T-G.
Other names: c.358T>G, p.Trp120Gly (NM_001406836.1, NM_001406838.1); c.-5T>G (NM_001406837.1); short protein forms W120G.
Identifiers: ClinVar variation 5023026 (VCV005023026.1).

ClinVar aggregate classification (germline): Uncertain significance (1 of 4 stars; one submission).

Conditions:
Cardiovascular phenotype. Identifiers: MedGen CN230736.

Submission:

Ambry Genetics
Classification: Uncertain significance for Cardiovascular phenotype. Last evaluated: 2026-07-10. Review status: criteria provided, single submitter. Criteria: Ambry Variant Classification Scheme 2023. Collection method: clinical testing. Allele origin: germline.
Comment: The p.W120G variant (also known as c.358T>G), located in coding exon 1 of the KCNQ1 gene, results from a T to G substitution at nucleotide position 358. The tryptophan at codon 120 is replaced by glycine, an amino acid with highly dissimilar properties. This amino acid position is conserved. In addition, this alteration is predicted to be deleterious by in silico analysis. Based on the available evidence, the clinical significance of this variant remains unclear.